The following is an entry in ClinVar:

NM_017934.7(PHIP):c.2630C>G (p.Ala877Gly)

Gene: PHIP (PHIP subunit of CUL4-Ring ligase complex; minus strand). Cytogenetic location: 6q14.1.
Variant type: single nucleotide variant.
Coding change: c.2630C>G on transcript NM_017934.7 (MANE Select); coding-DNA position 2630, C replaced by G.
Protein change: p.Ala877Gly; replaces alanine 877 with glycine.
Molecular consequence: missense variant.
Genome position (GRCh38, 1-based): chr6:78,983,025, G>C on the plus strand (C>G on the coding strand, the complement: PHIP is on the minus strand). VCF-style: chr6-78983025-G-C. GRCh37 (hg19) VCF-style: chr6-79692742-G-C.
Other names: short protein forms A877G.
Identifiers: ClinVar variation 2661945 (VCV002661945.1), dbSNP rs2481963750, ClinGen allele CA364649883.

ClinVar aggregate classification (germline): Uncertain significance (1 of 4 stars; one submission).

Allele frequency attached by ClinVar (database versions not stated): gnomAD exomes below 0.00001.
gnomAD v4.1: 1 of 1,611,130 alleles (0.000062%); highest among the groups gnomAD compares: Non-Finnish European, 0.000085%; no homozygotes.

Submission:

GeneDx
Classification: Uncertain significance. Last evaluated: 2023-05-03. Review status: criteria provided, single submitter. Criteria: GeneDx Variant Classification Process June 2021. Collection method: clinical testing. Allele origin: germline. Affected: yes.
Comment: Not observed at significant frequency in large population cohorts (gnomAD); In silico analysis supports that this missense variant does not alter protein structure/function; Has not been previously published as pathogenic or benign to our knowledge